The following is an entry in ClinVar:

NM_152393.4(KLHL40):c.1053C>T (p.His351=)

Gene: KLHL40 (kelch like family member 40; plus strand). Cytogenetic location: 3p22.1.
Variant type: single nucleotide variant.
Coding change: c.1053C>T on transcript NM_152393.4 (MANE Select); coding-DNA position 1053, C replaced by T.
Protein change: p.His351=; no amino-acid change (histidine 351 retained).
Molecular consequence: synonymous variant.
Genome position (GRCh38, 1-based): chr3:42,686,671, C>T. VCF-style: chr3-42686671-C-T. GRCh37 (hg19) VCF-style: chr3-42728163-C-T.
Other names: p.His351=.
Identifiers: ClinVar variation 262639 (VCV000262639.12), dbSNP rs61736693, ClinGen allele CA2336788.

ClinVar aggregate classification (germline): Benign. Review status: criteria provided, multiple submitters, no conflicts (2 of 4 stars). 5 submissions from 5 submitters: Benign (5). Last evaluated 2026-02-01.

Conditions:
Nemaline myopathy 8 (NEM8). Also called: Nemaline myopathy 8, autosomal recessive. Identifiers: Orphanet 171430, MedGen C3809209, MONDO:0014138, OMIM 615348.

Allele frequency attached by ClinVar (database versions not stated): ExAC 0.01138; gnomAD 0.03162 and 0.03219; TOPMed 0.03436; ESP Exome Variant Server 0.03583; 1000 Genomes Project 0.03774; 1000 Genomes Project 30x 0.04201.
gnomAD v4.1: 10,125 of 1,613,878 alleles (0.63%); highest among the groups gnomAD compares: African/African-American, 11%; 474 homozygotes.

Submissions (5):

Labcorp Genetics (formerly Invitae), Labcorp
Classification: Benign for Nemaline myopathy 8. Last evaluated: 2026-02-01. Review status: criteria provided, single submitter. Criteria: Invitae Variant Classification Sherloc (09022015). Collection method: clinical testing. Allele origin: germline.

Mayo Clinic Laboratories, Mayo Clinic
Classification: Benign. Last evaluated: 2019-03-06. Review status: criteria provided, single submitter. Criteria: ACMG Guidelines, 2015. Collection method: clinical testing. Allele origin: germline. Observed: 8 variant alleles.

GeneDx
Classification: Benign. Last evaluated: 2016-03-21. Review status: criteria provided, single submitter. Criteria: GeneDx Variant Classification (06012015). Collection method: clinical testing. Allele origin: germline. Affected: yes.
Comment: This variant is considered likely benign or benign based on one or more of the following criteria: it is a conservative change, it occurs at a poorly conserved position in the protein, it is predicted to be benign by multiple in silico algorithms, and/or has population frequency not consistent with disease.

Breakthrough Genomics
Classification: Benign. Review status: criteria provided, single submitter. Criteria: ACMG Guidelines, 2015. Collection method: not provided. Allele origin: germline. Inheritance: Autosomal recessive inheritance. Affected: yes.

PreventionGenetics, part of Exact Sciences
Classification: Benign. Review status: criteria provided, single submitter. Criteria: ACMG Guidelines, 2015. Collection method: clinical testing. Allele origin: germline.